The following is an entry in ClinVar:

NM_001611.5(ACP5):c.245A>G (p.Asn82Ser)

Gene: ACP5 (acid phosphatase 5, tartrate resistant; minus strand). Cytogenetic location: 19p13.2.
Variant type: single nucleotide variant.
Coding change: c.245A>G on transcript NM_001611.5 (MANE Select); coding-DNA position 245, A replaced by G.
Protein change: p.Asn82Ser; replaces asparagine 82 with serine.
Molecular consequence: missense variant.
Genome position (GRCh38, 1-based): chr19:11,577,073, T>C on the plus strand (A>G on the coding strand, the complement: ACP5 is on the minus strand). VCF-style: chr19-11577073-T-C. GRCh37 (hg19) VCF-style: chr19-11687888-T-C.
Other names: c.245A>G, p.Asn82Ser (LRG_1218t1, NM_001111034.3, NM_001111035.3 and 2 more transcripts); short protein forms N82S.
Identifiers: ClinVar variation 464887 (VCV000464887.3), dbSNP rs202233676, ClinGen allele CA404148805.
Genomic context (GRCh38, chr19:11,577,073, plus strand): 5'-CACTGCCCGCCCCCACCTCCTGCCCCACTCTGTTGGGCACAGACCTGGAACCTCTTGTCA[T>C]TGATGTCTTGCACACCAGTGAAGTAAAAATTGTCCCCTAGAGACAGGATGAAGTCTGCAC-3'
Protein context (NP_001602.1, residues 72-92): NFYFTGVQDI[Asn82Ser]DKRFQETFED

ClinVar aggregate classification (germline): Uncertain significance (1 of 4 stars; one submission).

Conditions:
Spondyloenchondrodysplasia with immune dysregulation (SPENCDI). Also called: COMBINED IMMUNODEFICIENCY WITH AUTOIMMUNITY AND SPONDYLOMETAPHYSEAL DYSPLASIA; ROIFMAN IMMUNOSKELETAL SYNDROME; SPONDYLOENCHONDRODYSPLASIA WITH OR WITHOUT IMMUNE DYSREGULATION. Identifiers: Orphanet 1855, MedGen C1842763, MONDO:0011939, OMIM 607944.

Allele frequency attached by ClinVar (database versions not stated): gnomAD 0.00001; gnomAD exomes 0.00001.
gnomAD v4.1: 7 of 1,613,988 alleles (0.00043%); highest among the groups gnomAD compares: East Asian, 0.011%; no homozygotes.

Submission:

Labcorp Genetics (formerly Invitae), Labcorp
Classification: Uncertain significance for Spondyloenchondrodysplasia with immune dysregulation. Last evaluated: 2019-06-21. Review status: criteria provided, single submitter. Criteria: Invitae Variant Classification Sherloc (09022015). Collection method: clinical testing. Allele origin: germline.
Comment: This sequence change replaces asparagine with serine at codon 82 of the ACP5 protein (p.Asn82Ser). The asparagine residue is moderately conserved and there is a small physicochemical difference between asparagine and serine. This variant is not present in population databases (ExAC no frequency). This variant has not been reported in the literature in individuals with a ACP5-related disease. Algorithms developed to predict the effect of missense changes on protein structure and function output the following: SIFT: "Tolerated"; PolyPhen-2: "Benign"; Align-GVGD: "Class C0". The serine amino acid residue is found in multiple mammalian species, suggesting that this missense change does not adversely affect protein function. These predictions have not been confirmed by published functional studies and their clinical significance is uncertain. In summary, this variant has uncertain impact on ACP5 function. The available evidence is currently insufficient to determine its role in disease. Therefore, it has been classified as a Variant of Uncertain Significance.